The following is an entry in ClinVar:

NM_001036.6(RYR3):c.9344A>G (p.Asn3115Ser)

Gene: RYR3 (ryanodine receptor 3; plus strand). Cytogenetic location: 15q14.
Variant type: single nucleotide variant.
Coding change: c.9344A>G on transcript NM_001036.6 (MANE Select); coding-DNA position 9344, A replaced by G.
Protein change: p.Asn3115Ser; replaces asparagine 3115 with serine.
Molecular consequence: missense variant.
Genome position (GRCh38, 1-based): chr15:33,785,737, A>G. VCF-style: chr15-33785737-A-G. GRCh37 (hg19) VCF-style: chr15-34077938-A-G.
Other names: c.9344A>G, p.Asn3115Ser (NM_001243996.4); short protein forms N3115S.
Identifiers: ClinVar variation 835976 (VCV000835976.9), dbSNP rs923528632, ClinGen allele CA268602693.

ClinVar aggregate classification (germline): Uncertain significance (1 of 4 stars; one submission).

Conditions:
Epileptic encephalopathy. Identifiers: MedGen C0543888, HP:0200134.

Allele frequency attached by ClinVar (database versions not stated): TOPMed 0.00001.

Submission:

Labcorp Genetics (formerly Invitae), Labcorp
Classification: Uncertain significance for Epileptic encephalopathy. Last evaluated: 2019-03-20. Review status: criteria provided, single submitter. Criteria: Invitae Variant Classification Sherloc (09022015). Collection method: clinical testing. Allele origin: germline.
Comment: In summary, the available evidence is currently insufficient to determine the role of this variant in disease. Therefore, it has been classified as a Variant of Uncertain Significance. Algorithms developed to predict the effect of missense changes on protein structure and function output the following: SIFT: "Tolerated"; PolyPhen-2: "Benign"; Align-GVGD: "Class C0". The serine amino acid residue is found in multiple mammalian species, suggesting that this missense change does not adversely affect protein function. These predictions have not been confirmed by published functional studies and their clinical significance is uncertain. This variant has not been reported in the literature in individuals with RYR3-related conditions. This variant is not present in population databases (ExAC no frequency). This sequence change replaces asparagine with serine at codon 3115 of the RYR3 protein (p.Asn3115Ser). The asparagine residue is moderately conserved and there is a small physicochemical difference between asparagine and serine.